The following is an entry in ClinVar:

ClinVar aggregate classification (germline): Benign/Likely benign. Review status: criteria provided, multiple submitters, no conflicts (2 of 4 stars). 3 submissions from 3 submitters: Benign (1); Likely benign (1). 1 of the submissions does not count toward it. Last evaluated 2025-11-03.

Conditions:
KMT2D-related disorder. Also called: KMT2D-Related Disorders.
Kabuki syndrome. Also called: Kabuki make-up syndrome; NIIKAWA-KUROKI SYNDROME. Identifiers: Orphanet 2322, MedGen C0796004, MONDO:0016512.

Allele frequency attached by ClinVar (database versions not stated): gnomAD exomes below 0.00001; TOPMed 0.00001; gnomAD 0.00003 and 0.00004.
gnomAD v4.1: 9 of 1,550,604 alleles (0.00058%); highest among the groups gnomAD compares: Admixed American, 0.0039%; no homozygotes.

Submissions (3):

Labcorp Genetics (formerly Invitae), Labcorp
Classification: Benign for Kabuki syndrome. Last evaluated: 2025-11-03. Review status: criteria provided, single submitter. Criteria: Invitae Variant Classification Sherloc (09022015). Collection method: clinical testing. Allele origin: germline.

Blueprint Genetics
Classification: Likely benign. Last evaluated: 2022-07-13. Review status: criteria provided, single submitter. Criteria: ACMG Guidelines, 2015. Collection method: clinical testing. Allele origin: germline.

PreventionGenetics, part of Exact Sciences
Classification: Uncertain significance for KMT2D-related condition. Last evaluated: 2023-12-06. Review status: no assertion criteria provided. Collection method: clinical testing. Allele origin: germline. Not counted in ClinVar's aggregate classification.
Comment: The KMT2D c.12859C>T variant is predicted to result in the amino acid substitution p.Pro4287Ser. To our knowledge, this variant has not been reported in the literature. This variant is reported in 0.0019% of alleles in individuals of European (Non-Finnish) descent in gnomAD. At this time, the clinical significance of this variant is uncertain due to the absence of conclusive functional and genetic evidence.

NM_003482.4(KMT2D):c.12859C>T (p.Pro4287Ser)

Gene: KMT2D (lysine methyltransferase 2D; minus strand). Cytogenetic location: 12q13.12.
Variant type: single nucleotide variant.
Coding change: c.12859C>T on transcript NM_003482.4 (MANE Select); coding-DNA position 12859, C replaced by T.
Protein change: p.Pro4287Ser; replaces proline 4287 with serine.
Molecular consequence: missense variant.
Genome position (GRCh38, 1-based): chr12:49,031,846, G>A on the plus strand (C>T on the coding strand, the complement: KMT2D is on the minus strand). VCF-style: chr12-49031846-G-A. GRCh37 (hg19) VCF-style: chr12-49425629-G-A.
Other names: c.12859C>T (NM_003482.3); short protein forms P4287S.
Identifiers: ClinVar variation 1356698 (VCV001356698.9), dbSNP rs750203743, ClinGen allele CA6546118.